The following is an entry in ClinVar:

NM_001122769.3(LCA5):c.1099-2A>T

Gene: LCA5 (lebercilin LCA5; minus strand). Cytogenetic location: 6q14.1.
Variant type: single nucleotide variant.
Coding change: c.1099-2A>T on transcript NM_001122769.3 (MANE Select); the canonical splice acceptor site of the intron before coding-DNA position 1099, A replaced by T.
Molecular consequence: splice acceptor variant.
Genome position (GRCh38, 1-based): chr6:79,489,218, T>A on the plus strand (A>T on the coding strand, the complement: LCA5 is on the minus strand). VCF-style: chr6-79489218-T-A. GRCh37 (hg19) VCF-style: chr6-80198935-T-A.
Other names: c.1099-2A>T (NM_181714.4).
Identifiers: ClinVar variation 1509049 (VCV001509049.6), dbSNP rs2127667162, ClinGen allele CA364642804.

ClinVar aggregate classification (germline): Likely pathogenic (1 of 4 stars; one submission).

Submission:

Labcorp Genetics (formerly Invitae), Labcorp
Classification: Likely pathogenic. Last evaluated: 2021-10-17. Review status: criteria provided, single submitter. Criteria: Invitae Variant Classification Sherloc (09022015). Collection method: clinical testing. Allele origin: germline.
Comment: In summary, the currently available evidence indicates that the variant is pathogenic, but additional data are needed to prove that conclusively. Therefore, this variant has been classified as Likely Pathogenic. Algorithms developed to predict the effect of sequence changes on RNA splicing suggest that this variant may disrupt the consensus splice site. This variant has not been reported in the literature in individuals affected with LCA5-related conditions. This variant is not present in population databases (ExAC no frequency). This sequence change affects an acceptor splice site in intron 7 of the LCA5 gene. It is expected to disrupt RNA splicing. Variants that disrupt the donor or acceptor splice site typically lead to a loss of protein function (PMID: 16199547), and loss-of-function variants in LCA5 are known to be pathogenic (PMID: 17546029, 23946133).

Literature cited by the submitters: PubMed 16199547; PubMed 17546029; PubMed 23946133.